The following is an entry in ClinVar:

NM_000343.4(SLC5A1):c.*1476A>G

Gene: SLC5A1 (solute carrier family 5 member 1; plus strand). Cytogenetic location: 22q12.3.
Variant type: single nucleotide variant.
Coding change: c.*1476A>G on transcript NM_000343.4 (MANE Select); 1476 bases downstream of the stop codon, A replaced by G.
Molecular consequence: 3 prime UTR variant.
Genome position (GRCh38, 1-based): chr22:32,111,689, A>G. VCF-style: chr22-32111689-A-G. GRCh37 (hg19) VCF-style: chr22-32507676-A-G.
Other names: c.*1476A>G (NM_001256314.2).
Identifiers: ClinVar variation 900974 (VCV000900974.4), dbSNP rs190638859, ClinGen allele CA323390499.

ClinVar aggregate classification (germline): Likely benign (1 of 4 stars; one submission).

Conditions:
Congenital glucose-galactose malabsorption (GGM). Also called: MONOSACCHARIDE MALABSORPTION; DIARRHEA 16. Identifiers: Orphanet 35710, MedGen C0268186, MONDO:0011731, OMIM 606824.

Allele frequency attached by ClinVar (database versions not stated): 1000 Genomes Project 30x 0.00156; 1000 Genomes Project 0.00180; gnomAD 0.00257 and 0.00277; TOPMed 0.00308.

Submission:

Illumina Laboratory Services, Illumina
Classification: Likely benign for Congenital glucose-galactose malabsorption. Last evaluated: 2018-01-13. Review status: criteria provided, single submitter. Criteria: ICSL Variant Classification Criteria 13 December 2019. Collection method: clinical testing. Allele origin: germline.
Comment: This variant was observed in the ICSL laboratory as part of a predisposition screen in an ostensibly healthy population. It had not been previously curated by ICSL or reported in the Human Gene Mutation Database (HGMD: prior to June 1st, 2018), and was therefore a candidate for classification through an automated scoring system. Utilizing variant allele frequency, disease prevalence and penetrance estimates, and inheritance mode, an automated score was calculated to assess if this variant is too frequent to cause the disease. Based on the score and internal cut-off values, a variant classified as likely benign is not then subjected to further curation. The score for this variant resulted in a classification of likely benign for this disease.